The following is an entry in ClinVar:

NM_014363.6(SACS):c.1189_1190del (p.Ser397fs)

Gene: SACS (sacsin molecular chaperone; minus strand). Cytogenetic location: 13q12.12.
Variant type: Deletion.
Coding change: c.1189_1190del on transcript NM_014363.6 (MANE Select); coding-DNA positions 1189 to 1190, 2 bases deleted (AG; older notation c.1189_1190delAG).
Protein change: p.Ser397fs; shifts the reading frame from serine 397.
Molecular consequence: frameshift variant.
Genome position (GRCh38, 1-based): chr13:23,355,422-23,355,423, CT deleted on the plus strand (AG on the coding strand, the reverse complement: SACS is on the minus strand). VCF-style (leftmost placement, unchanged base first): chr13-23355421-ACT-A. GRCh37 (hg19) VCF-style: chr13-23929560-ACT-A.
Other names: c.748_749del, p.Ser250fs (NM_001278055.2); c.1189_1190delAG (NM_014363.5); short protein forms S250fs, S397fs.
Identifiers: ClinVar variation 370608 (VCV000370608.13), dbSNP rs1057516625, ClinGen allele CA16041654.

ClinVar aggregate classification (germline): Pathogenic/Likely pathogenic. Review status: criteria provided, multiple submitters, no conflicts (2 of 4 stars). 4 submissions from 4 submitters: Pathogenic (1); Likely pathogenic (2). 1 of the submissions does not count toward it. Last evaluated 2026-01-25.

Conditions:
Spastic paraplegia. Identifiers: MedGen C0037772, HP:0001258.
Charlevoix-Saguenay spastic ataxia (SACS). Also called: Spastic ataxia of Charlevoix-Saguenay; SPASTIC ATAXIA 6, AUTOSOMAL RECESSIVE; AUTOSOMAL RECESSIVE SPASTIC ATAXIA OF CHARLEVOIX-SAGUENAY. Identifiers: Orphanet 98, MedGen C1849140, MONDO:0010041, OMIM 270550.

Allele frequency attached by ClinVar (database versions not stated): gnomAD exomes below 0.00001; TOPMed 0.00001; gnomAD 0.00001.

Submissions (4):

Natera, Inc.
Classification: Likely pathogenic for Charlevoix-Saguenay type spastic ataxia. Last evaluated: 2026-01-25. Review status: criteria provided, single submitter. Criteria: Natera Variant Classification Schema (03/2026). Collection method: clinical testing. Allele origin: germline.
Comment: The c.1189_1190delAG variant in SACS is a frameshift variant predicted to shift the reading frame beginning at codon 397 and leads to a stop codon 8 codons downstream. This variant is expected to result in nonsense mediated decay, truncation, or a dysfunctional protein product. This variant is rare in the general population with a frequency below the threshold expected for the associated phenotype(s). Given the available evidence, this variant is classified as Likely Pathogenic.

Labcorp Genetics (formerly Invitae), Labcorp
Classification: Pathogenic for Spastic paraplegia. Last evaluated: 2023-06-19. Review status: criteria provided, single submitter. Criteria: Invitae Variant Classification Sherloc (09022015). Collection method: clinical testing. Allele origin: germline.
Comment: This sequence change creates a premature translational stop signal (p.Ser397Cysfs*8) in the SACS gene. It is expected to result in an absent or disrupted protein product. Loss-of-function variants in SACS are known to be pathogenic (PMID: 18465152, 20876471). This variant is not present in population databases (gnomAD no frequency). This variant has not been reported in the literature in individuals affected with SACS-related conditions. ClinVar contains an entry for this variant (Variation ID: 370608). For these reasons, this variant has been classified as Pathogenic.

Genome-Nilou Lab
Classification: Likely pathogenic for Charlevoix-Saguenay spastic ataxia. Last evaluated: 2021-09-05. Review status: criteria provided, single submitter. Criteria: ACMG Guidelines, 2015. Collection method: clinical testing. Allele origin: germline. Affected: no.

Counsyl
Classification: Likely pathogenic for Charlevoix-Saguenay spastic ataxia. Last evaluated: 2016-03-10. Review status: no assertion criteria provided. Collection method: clinical testing. Allele origin: unknown. Not counted in ClinVar's aggregate classification.

Literature cited by the submitters: PubMed 18465152 (cited by Labcorp Genetics (formerly Invitae), Labcorp); PubMed 20876471 (cited by Labcorp Genetics (formerly Invitae), Labcorp).